The following is an entry in ClinVar:

ClinVar aggregate classification (germline): Benign/Likely benign. Review status: criteria provided, multiple submitters, no conflicts (2 of 4 stars). 7 submissions from 7 submitters: Benign (1); Likely benign (4). 2 of the submissions do not count toward it. Last evaluated 2026-02-02.

Conditions:
Xeroderma pigmentosum group A (XPA). Also called: Xeroderma pigmentosum, complementation group A; XP, group A; XPA-Related Xeroderma Pigmentosum. Identifiers: Orphanet 910, MedGen C0268135, MONDO:0010210, OMIM 278700.

Allele frequency attached by ClinVar (database versions not stated): gnomAD exomes 0.00095 and 0.00286; ExAC 0.00332; gnomAD 0.00994 and 0.01065; 1000 Genomes Project 0.00998; 1000 Genomes Project 30x 0.01031; TOPMed 0.01089; ESP Exome Variant Server 0.01138.
gnomAD v4.1: 2,957 of 1,613,834 alleles (0.18%); highest among the groups gnomAD compares: African/African-American, 3.2%; 37 homozygotes.

Submissions (7):

Labcorp Genetics (formerly Invitae), Labcorp
Classification: Benign. Last evaluated: 2026-02-02. Review status: criteria provided, single submitter. Criteria: Invitae Variant Classification Sherloc (09022015). Collection method: clinical testing. Allele origin: germline.

KCCC/NGS Laboratory, Kuwait Cancer Control Center
Classification: Likely benign for Xeroderma pigmentosum group A. Last evaluated: 2023-07-07. Review status: criteria provided, single submitter. Criteria: ACMG Guidelines, 2015. Collection method: clinical testing. Allele origin: germline. Affected: yes.

GeneDx
Classification: Likely benign. Last evaluated: 2021-03-23. Review status: criteria provided, single submitter. Criteria: GeneDx Variant Classification Process June 2021. Collection method: clinical testing. Allele origin: germline. Affected: yes.

Illumina Laboratory Services, Illumina
Classification: Likely benign for Xeroderma pigmentosum group A. Last evaluated: 2017-04-27. Review status: criteria provided, single submitter. Criteria: ICSL Variant Classification Criteria 13 December 2019. Collection method: clinical testing. Allele origin: germline.
Comment: This variant was observed as part of a predisposition screen in an ostensibly healthy population. A literature search was performed for the gene, cDNA change, and amino acid change (where applicable). No publications were found based on this search. Allele frequency data from public databases allowed determination this variant is unlikely to cause disease. Therefore, this variant is classified as likely benign.

Breakthrough Genomics
Classification: Likely benign. Review status: criteria provided, single submitter. Criteria: ACMG Guidelines, 2015. Collection method: not provided. Allele origin: germline. Inheritance: Autosomal recessive inheritance. Affected: yes.

ITMI
No classification provided. Condition: AllHighlyPenetrant. Last evaluated: 2013-09-19. Review status: no classification provided. Collection method: reference population. Allele origin: germline. Not counted in ClinVar's aggregate classification.
Comment: Please see associated publication for description of ethnicities

Department of Pathology and Laboratory Medicine, Sinai Health System
Classification: Likely benign. Review status: no assertion criteria provided. Collection method: clinical testing. Allele origin: unknown. Affected: yes. Study: The Canadian Open Genetics Repository (COGR). Not counted in ClinVar's aggregate classification.
Comment: The XPA p.Leu252Val variant was identified in dbSNP (ID: rs3176750), ClinVar (classified as likely benign for Xeroderma Pigmentosum by Illumina); the variant was not identified in Cosmic or LOVD 3.0. The variant was also identified in control databases in 1001 of 282596 chromosomes (16 homozygous) at a frequency of 0.003542 increasing the likelihood this could be a low frequency benign variant (Genome Aggregation Database Feb 27, 2017). The variant was observed in the following populations: African in 859 of 24952 chromosomes (freq: 0.03443), Latino in 101 of 35382 chromosomes (freq: 0.002855), Other in 17 of 7216 chromosomes (freq: 0.002356), European (non-Finnish) in 23 of 129016 chromosomes (freq: 0.000178), South Asian in 1 of 30610 chromosomes (freq: 0.000033), while the variant was not observed in the Ashkenazi Jewish, East Asian, and European (Finnish) populations. The p.Leu252 residue is conserved in mammals but not in more distantly related organisms however computational analyses (PolyPhen-2, SIFT, AlignGVGD, BLOSUM, MutationTaster) do not suggest a high likelihood of impact to the protein; this information is not predictive enough to rule out pathogenicity. The variant occurs outside of the splicing consensus sequence and in silico or computational prediction software programs (SpliceSiteFinder, MaxEntScan, NNSPLICE, GeneSplicer) do not predict a difference in splicing. In summary, based on the above information the clinical significance of this variant cannot be determined with certainty at this time although we would lean towards a more benign role for this variant. This variant is classified as likely benign.

Literature cited by the submitters: PubMed 24728327 (cited by ITMI).

NM_000380.4(XPA):c.754C>G (p.Leu252Val)

Gene: XPA (XPA, DNA damage recognition and repair factor; minus strand). Cytogenetic location: 9q22.33.
Variant type: single nucleotide variant.
Coding change: c.754C>G on transcript NM_000380.4 (MANE Select); coding-DNA position 754, C replaced by G.
Protein change: p.Leu252Val; replaces leucine 252 with valine.
Molecular consequence: missense variant. On other transcripts: non-coding transcript variant (5).
Genome position (GRCh38, 1-based): chr9:97,675,507, G>C on the plus strand (C>G on the coding strand, the complement: XPA is on the minus strand). VCF-style: chr9-97675507-G-C. GRCh37 (hg19) VCF-style: chr9-100437789-G-C.
Other names: c.628C>G, p.Leu210Val (NM_001354975.2); short protein forms L252V, L210V.
Identifiers: ClinVar variation 135461 (VCV000135461.20), dbSNP rs3176750, ClinGen allele CA162841.
Genomic context (GRCh38, chr9:97,675,507, plus strand): 5'-TTTCATATGTCAGTTCATGGCCACACATAGTACAAGTCTTACGGTACATGTCATCTTCTA[G>C]GTTTTCTTCTGGTCCATACTCATGTTGATGAACAATCGTCTCCCTTTTCCACACGCTGCT-3'
Protein context (NP_000371.1, residues 242-262): HQHEYGPEEN[Leu252Val]EDDMYRKTCT